The following is an entry in ClinVar:

ClinVar aggregate classification (germline): Uncertain significance (1 of 4 stars; one submission).

Conditions:
3-methylglutaconic aciduria, type VIIB (MGCA7B). Also called: 3-methylglutaconic aciduria, type VII, with cataracts, neurologic involvement and neutropenia; CLPB Deficiency; 3-methylglutaconic aciduria with cataracts, neurologic involvement and neutropenia. Identifiers: Orphanet 445038, MedGen C5676893, MONDO:0014561, OMIM 616271.

gnomAD v4.1: 8 of 1,613,144 alleles (0.0005%); highest among the groups gnomAD compares: Non-Finnish European, 0.00068%; no homozygotes.

Submission:

Labcorp Genetics (formerly Invitae), Labcorp
Classification: Uncertain significance for 3-methylglutaconic aciduria, type VIIB. Last evaluated: 2025-08-14. Review status: criteria provided, single submitter. Criteria: Invitae Variant Classification Sherloc (09022015). Collection method: clinical testing. Allele origin: germline.
Comment: This sequence change replaces arginine, which is basic and polar, with leucine, which is neutral and non-polar, at codon 73 of the CLPB protein (p.Arg73Leu). This variant is present in population databases (rs756000250, gnomAD 0.0009%). This variant has not been reported in the literature in individuals affected with CLPB-related conditions. ClinVar contains an entry for this variant (Variation ID: 3620026). An algorithm developed to predict the effect of missense changes on protein structure and function (PolyPhen-2) suggests that this variant is likely to be tolerated. In summary, the available evidence is currently insufficient to determine the role of this variant in disease. Therefore, it has been classified as a Variant of Uncertain Significance.

NM_001258392.3(CLPB):c.218G>T (p.Arg73Leu)

Genes: CLPB (ClpB family mitochondrial disaggregase; minus strand), LOC130006336 (ATAC-STARR-seq lymphoblastoid active region 5191; plus strand). Cytogenetic location: 11q13.4.
Variant type: single nucleotide variant.
Coding change: c.218G>T on transcript NM_001258392.3 (MANE Select); coding-DNA position 218, G replaced by T.
Protein change: p.Arg73Leu; replaces arginine 73 with leucine.
Molecular consequence: missense variant. On other transcripts: 5 prime UTR variant (1).
Genome position (GRCh38, 1-based): chr11:72,434,257, C>A on the plus strand (G>T on the coding strand, the complement: CLPB is on the minus strand). VCF-style: chr11-72434257-C-A. GRCh37 (hg19) VCF-style: chr11-72145301-C-A.
Other names: c.218G>T, p.Arg73Leu (NM_001258393.3, NM_030813.6); c.-25G>T (NM_001258394.3); short protein forms R73L.
Identifiers: ClinVar variation 3620026 (VCV003620026.2).